The following is an entry in ClinVar:

NM_003664.5(AP3B1):c.1717C>T (p.Arg573Cys)

Gene: AP3B1 (adaptor related protein complex 3 subunit beta 1; minus strand). Cytogenetic location: 5q14.1.
Variant type: single nucleotide variant.
Coding change: c.1717C>T on transcript NM_003664.5 (MANE Select); coding-DNA position 1717, C replaced by T.
Protein change: p.Arg573Cys; replaces arginine 573 with cysteine.
Molecular consequence: missense variant.
Genome position (GRCh38, 1-based): chr5:78,129,241, G>A on the plus strand (C>T on the coding strand, the complement: AP3B1 is on the minus strand). VCF-style: chr5-78129241-G-A. GRCh37 (hg19) VCF-style: chr5-77425065-G-A.
Other names: c.1570C>T, p.Arg524Cys (NM_001271769.2); c.1717C>T, p.Arg573Cys (NM_001410752.1); short protein forms R524C, R573C.
Identifiers: ClinVar variation 1960270 (VCV001960270.4), dbSNP rs1282094374, ClinGen allele CA360188032.

ClinVar aggregate classification (germline): Uncertain significance (1 of 4 stars; one submission).

Conditions:
Hermansky-Pudlak syndrome 2 (HPS2). Also called: Platelet defects and oculocutaneous albinism. Identifiers: Orphanet 183678, Orphanet 79430, MedGen C1842362, MONDO:0011997, OMIM 608233.

Allele frequency attached by ClinVar (database versions not stated): TOPMed below 0.00001; gnomAD 0.00001; gnomAD exomes 0.00001.
gnomAD v4.1: 6 of 1,612,956 alleles (0.00037%); highest among the groups gnomAD compares: African/African-American, 0.0027%; no homozygotes.

Submission:

Labcorp Genetics (formerly Invitae), Labcorp
Classification: Uncertain significance for Hermansky-Pudlak syndrome 2. Last evaluated: 2021-12-18. Review status: criteria provided, single submitter. Criteria: Invitae Variant Classification Sherloc (09022015). Collection method: clinical testing. Allele origin: germline.
Comment: In summary, the available evidence is currently insufficient to determine the role of this variant in disease. Therefore, it has been classified as a Variant of Uncertain Significance. Algorithms developed to predict the effect of missense changes on protein structure and function (SIFT, PolyPhen-2, Align-GVGD) all suggest that this variant is likely to be disruptive. This variant has not been reported in the literature in individuals affected with AP3B1-related conditions. This variant is present in population databases (no rsID available, gnomAD 0.0009%). This sequence change replaces arginine, which is basic and polar, with cysteine, which is neutral and slightly polar, at codon 573 of the AP3B1 protein (p.Arg573Cys).